The following is an entry in ClinVar:

NM_025215.6(PUS1):c.1202C>T (p.Ala401Val)

Gene: PUS1 (pseudouridine synthase 1; plus strand). Cytogenetic location: 12q24.33.
Variant type: single nucleotide variant.
Coding change: c.1202C>T on transcript NM_025215.6 (MANE Select); coding-DNA position 1202, C replaced by T.
Protein change: p.Ala401Val; replaces alanine 401 with valine.
Molecular consequence: missense variant.
Genome position (GRCh38, 1-based): chr12:131,941,949, C>T. VCF-style: chr12-131941949-C-T. GRCh37 (hg19) VCF-style: chr12-132426494-C-T.
Other names: c.1118C>T, p.Ala373Val (NM_001002019.3, NM_001002020.3); short protein forms A373V, A401V.
Identifiers: ClinVar variation 1983538 (VCV001983538.1), dbSNP rs773905517, ClinGen allele CA6884347.
Genomic context (GRCh38, chr12:131,941,949, plus strand): 5'-AGCGGGACGAACGCTCCATGGCCCAGTGGCTGAGCACCTTGCCCATCCACAACTTCAGTG[C>T]CACCGCTCTCACGGCAGGTGGCACGGGCGCCAAGGTAGGGGCACAGTCCCAGCAGTGCTC-3'
Protein context (NP_079491.2, residues 391-411): LSTLPIHNFS[Ala401Val]TALTAGGTGA

ClinVar aggregate classification (germline): Uncertain significance (1 of 4 stars; one submission).

Allele frequency attached by ClinVar (database versions not stated): ExAC 0.00001; gnomAD exomes 0.00001; gnomAD 0.00003; TOPMed 0.00003.
gnomAD v4.1: 18 of 1,613,042 alleles (0.0011%); highest among the groups gnomAD compares: Non-Finnish European, 0.0014%; no homozygotes.

Submission:

Labcorp Genetics (formerly Invitae), Labcorp
Classification: Uncertain significance. Last evaluated: 2022-04-06. Review status: criteria provided, single submitter. Criteria: Invitae Variant Classification Sherloc (09022015). Collection method: clinical testing. Allele origin: germline.
Comment: This sequence change replaces alanine, which is neutral and non-polar, with valine, which is neutral and non-polar, at codon 401 of the PUS1 protein (p.Ala401Val). This variant is present in population databases (rs773905517, gnomAD 0.007%). This variant has not been reported in the literature in individuals affected with PUS1-related conditions. Algorithms developed to predict the effect of missense changes on protein structure and function (SIFT, PolyPhen-2, Align-GVGD) all suggest that this variant is likely to be tolerated. In summary, the available evidence is currently insufficient to determine the role of this variant in disease. Therefore, it has been classified as a Variant of Uncertain Significance.